The following is an entry in ClinVar:

ClinVar aggregate classification (germline): Uncertain significance (1 of 4 stars; one submission).

Conditions:
Inborn genetic diseases. Identifiers: MedGen C0950123, MeSH D030342.

Submission:

Ambry Genetics
Classification: Uncertain significance for Inborn genetic diseases. Last evaluated: 2026-01-03. Review status: criteria provided, single submitter. Criteria: Ambry Variant Classification Scheme 2023. Collection method: clinical testing. Allele origin: germline.
Comment: The p.S862A variant (also known as c.2584T>G), located in coding exon 1 of the SAMD9L gene, results from a T to G substitution at nucleotide position 2584. The serine at codon 862 is replaced by alanine, an amino acid with similar properties. This amino acid position is conserved. In addition, this alteration is predicted to be tolerated by in silico analysis. Based on the available evidence, the clinical significance of this variant remains unclear.

NM_152703.5(SAMD9L):c.2584T>G (p.Ser862Ala)

Gene: SAMD9L (sterile alpha motif domain containing 9 like; minus strand). Cytogenetic location: 7q21.2.
Variant type: single nucleotide variant.
Coding change: c.2584T>G on transcript NM_152703.5 (MANE Select); coding-DNA position 2584, T replaced by G.
Protein change: p.Ser862Ala; replaces serine 862 with alanine.
Molecular consequence: missense variant.
Genome position (GRCh38, 1-based): chr7:93,133,388, A>C on the plus strand (T>G on the coding strand, the complement: SAMD9L is on the minus strand). VCF-style: chr7-93133388-A-C. GRCh37 (hg19) VCF-style: chr7-92762701-A-C.
Other names: c.2584T>G, p.Ser862Ala (NM_001303496.3, NM_001303497.3, NM_001303498.3 and 5 more transcripts); short protein forms S862A.
Identifiers: ClinVar variation 4842030 (VCV004842030.1).
Genomic context (GRCh38, chr7:93,133,388, plus strand): 5'-TCTTGTGCTGCTTTTCAATTTCCTTCAGTTTGGCACCAAAAGCTCTTTGTTCCTTGGAAG[A>C]AAGTTGGTAATTTAGTGCAATACTGTCTGCCAATTTTGCACTTTCATCTGGATTCCGGGA-3'
Protein context (NP_689916.2, residues 852-872): ADSIALNYQL[Ser862Ala]SKEQRAFGAK